The following is an entry in ClinVar:

ClinVar aggregate classification (germline): Likely pathogenic (1 of 4 stars; one submission).

Conditions:
Neurofibromatosis, type 2 (SWNV). Also called: BILATERAL ACOUSTIC NEUROFIBROMATOSIS; NF2-Related Schwannomatosis; SCHWANNOMATOSIS, VESTIBULAR. Identifiers: Orphanet 637, MedGen C0027832, MONDO:0007039, OMIM 101000. Disease mechanism: loss of function.

Submission:

Labcorp Genetics (formerly Invitae), Labcorp
Classification: Likely pathogenic for Neurofibromatosis, type 2. Last evaluated: 2016-04-22. Review status: criteria provided, single submitter. Criteria: Invitae Variant Classification Sherloc (09022015). Collection method: clinical testing. Allele origin: germline.
Comment: A missense variant in exon 11 (p.Thr352Met) has been reported as pathogenic in individuals with neurofibromatosis, type 2 (PMID: 8081368, 10712203). This suggests that the threonine residue at codon 352 is required for NF2 protein function. This copy number variant has not been reported in the literature in individuals with a NF2-related disease. This variant is a gross deletion of the genomic region encompassing exons 10-11 of the NF2 gene. This leads to an in-frame deletion, preserving the integrity of the reading frame. In summary, this is a novel deletion that eliminates an important amino acid residue and is predicted to be deleterious. However, in the absence of additional clinical and/or functional data, this variant has been classified as Likely Pathogenic.

Literature cited by the submitters: PubMed 8081368; PubMed 10712203.

NC_000022.10:g.(?_30064316)_(30067943_?)del

Gene: NF2 (NF2, moesin-ezrin-radixin like (MERLIN) tumor suppressor; plus strand). Cytogenetic location: 22q12.2.
Variant type: Deletion.
Identifiers: ClinVar variation 1066695 (VCV001066695.11).